The following is an entry in ClinVar:

ClinVar aggregate classification (germline): Uncertain significance (1 of 4 stars; one submission).

Conditions:
Hereditary cancer-predisposing syndrome. Also called: Tumor predisposition; Neoplastic Syndromes, Hereditary; Hereditary Cancer Syndrome; Hereditary neoplastic syndrome. Identifiers: Orphanet 140162, MedGen C0027672, MeSH D009386, MONDO:0015356.

Submission:

Ambry Genetics
Classification: Uncertain significance for Hereditary cancer-predisposing syndrome. Last evaluated: 2024-10-12. Review status: criteria provided, single submitter. Criteria: Ambry Variant Classification Scheme 2023. Collection method: clinical testing. Allele origin: germline.
Comment: The p.G540A variant (also known as c.1619G>C), located in coding exon 11 of the FLCN gene, results from a G to C substitution at nucleotide position 1619. The glycine at codon 540 is replaced by alanine, an amino acid with similar properties. This amino acid position is conserved. In addition, this alteration is predicted to be deleterious by in silico analysis. Based on the available evidence, the clinical significance of this variant remains unclear.

NM_144997.7(FLCN):c.1619G>C (p.Gly540Ala)

Gene: FLCN (folliculin; minus strand). Cytogenetic location: 17p11.2.
Variant type: single nucleotide variant.
Coding change: c.1619G>C on transcript NM_144997.7 (MANE Select); coding-DNA position 1619, G replaced by C.
Protein change: p.Gly540Ala; replaces glycine 540 with alanine.
Molecular consequence: missense variant.
Genome position (GRCh38, 1-based): chr17:17,213,776, C>G on the plus strand (G>C on the coding strand, the complement: FLCN is on the minus strand). VCF-style: chr17-17213776-C-G. GRCh37 (hg19) VCF-style: chr17-17117090-C-G.
Other names: c.1673G>C, p.Gly558Ala (NM_001353229.2); c.1619G>C, p.Gly540Ala (NM_001353230.2, NM_001353231.2); short protein forms G540A, G558A.
Identifiers: ClinVar variation 3515655 (VCV003515655.1).